The following is an entry in ClinVar:

ClinVar aggregate classification (germline): Uncertain significance (1 of 4 stars; one submission).

Submission:

Labcorp Genetics (formerly Invitae), Labcorp
Classification: Uncertain significance. Last evaluated: 2022-08-17. Review status: criteria provided, single submitter. Criteria: Invitae Variant Classification Sherloc (09022015). Collection method: clinical testing. Allele origin: germline.
Comment: Algorithms developed to predict the effect of missense changes on protein structure and function output the following: SIFT: "Deleterious"; PolyPhen-2: "Benign"; Align-GVGD: "Class C0". The leucine amino acid residue is found in multiple mammalian species, which suggests that this missense change does not adversely affect protein function. In summary, the available evidence is currently insufficient to determine the role of this variant in disease. Therefore, it has been classified as a Variant of Uncertain Significance. This variant has not been reported in the literature in individuals affected with TNFRSF11A-related conditions. This sequence change replaces valine, which is neutral and non-polar, with leucine, which is neutral and non-polar, at codon 226 of the TNFRSF11A protein (p.Val226Leu). This variant is not present in population databases (gnomAD no frequency).

NM_003839.4(TNFRSF11A):c.676G>C (p.Val226Leu)

Gene: TNFRSF11A (TNF receptor superfamily member 11a; plus strand). Cytogenetic location: 18q21.33.
Variant type: single nucleotide variant.
Coding change: c.676G>C on transcript NM_003839.4 (MANE Select); coding-DNA position 676, G replaced by C.
Protein change: p.Val226Leu; replaces valine 226 with leucine.
Molecular consequence: missense variant. On other transcripts: intron variant (1).
Genome position (GRCh38, 1-based): chr18:62,361,739, G>C. VCF-style: chr18-62361739-G-C. GRCh37 (hg19) VCF-style: chr18-60028972-G-C.
Other names: c.676G>C, p.Val226Leu (NM_001270949.2, NM_001270950.2); c.634G>C, p.Val212Leu (NM_001278268.2); c.616+1690G>C (NM_001270951.2); short protein forms V212L, V226L.
Identifiers: ClinVar variation 2014812 (VCV002014812.4), dbSNP rs2511575687, ClinGen allele CA402614280.